The following is an entry in ClinVar:

ClinVar aggregate classification (germline): Uncertain significance (1 of 4 stars; one submission).

Conditions:
Cardiomyopathy (CMYO). Also called: Cardiomyopathies. Identifiers: Orphanet 167848, MedGen C0878544, MONDO:0004994, HP:0001638. Inheritance: Various modes of inheritance.

Submission:

Color Diagnostics, LLC DBA Color Health
Classification: Uncertain significance for Cardiomyopathy. Last evaluated: 2023-12-04. Review status: criteria provided, single submitter. Criteria: ACMG Guidelines, 2015. Collection method: clinical testing. Allele origin: germline.
Comment: This missense variant replaces serine with isoleucine at codon 3196 of the RYR2 protein. Computational prediction tools and conservation analyses are inconclusive regarding the impact of this variant on the protein function. Computational splicing tools suggest that this variant may not impact RNA splicing. To our knowledge, functional assays have not been performed for this variant nor has this variant been reported in individuals affected with cardiovascular disorders in the literature. This variant has not been identified in the general population by the Genome Aggregation Database (gnomAD). Available evidence is insufficient to determine the role of this variant in disease conclusively. Therefore, this variant is classified as a Variant of Uncertain Significance.

NM_001035.3(RYR2):c.9587G>T (p.Ser3196Ile)

Gene: RYR2 (ryanodine receptor 2; plus strand). Cytogenetic location: 1q43.
Variant type: single nucleotide variant.
Coding change: c.9587G>T on transcript NM_001035.3 (MANE Select); coding-DNA position 9587, G replaced by T.
Protein change: p.Ser3196Ile; replaces serine 3196 with isoleucine.
Molecular consequence: missense variant.
Genome position (GRCh38, 1-based): chr1:237,706,955, G>T. VCF-style: chr1-237706955-G-T. GRCh37 (hg19) VCF-style: chr1-237870255-G-T.
Other names: short protein forms S3196I.
Identifiers: ClinVar variation 925128 (VCV000925128.5), dbSNP rs1250418772, ClinGen allele CA345408237.
Genomic context (GRCh38, chr1:237,706,955, plus strand): 5'-TATCATCTCAGTACTTTCTTTGAATATCATCCATTTTTATATGTACTTCTCCAGCTCTCA[G>T]TTTGCCAACTAATGTGGAAGATGTTTGTCCAAACATACCGTCTTTGGAGAAACTCATGGA-3'
Protein context (NP_001026.2, residues 3186-3206): TKSSRERAAL[Ser3196Ile]LPTNVEDVCP